The following is an entry in ClinVar:

ClinVar aggregate classification (germline): Conflicting classifications of pathogenicity. Review status: criteria provided, conflicting classifications (1 of 4 stars). 5 submissions from 5 submitters: Uncertain significance (3); Likely benign (2). Last evaluated 2025-12-06.

Conditions:
Autosomal recessive nonsyndromic hearing loss 84B. Also called: Deafness, autosomal recessive 84b. Identifiers: Orphanet 90636, MedGen C3554159, MONDO:0013984, OMIM 614944.
OTOGL-related disorder. Also called: OTOGL-related condition.

Allele frequency attached by ClinVar (database versions not stated): gnomAD exomes 0.00006 and 0.00024; ExAC 0.00008; gnomAD 0.00011 and 0.00013; 1000 Genomes Project 30x 0.00016; TOPMed 0.00026.
gnomAD v4.1: 96 of 1,486,224 alleles (0.0065%); highest among the groups gnomAD compares: East Asian, 0.23%; no homozygotes.

Submissions (5):

Labcorp Genetics (formerly Invitae), Labcorp
Classification: Likely benign. Last evaluated: 2025-12-06. Review status: criteria provided, single submitter. Criteria: Invitae Variant Classification Sherloc (09022015). Collection method: clinical testing. Allele origin: germline.

PreventionGenetics, part of Exact Sciences
Classification: Likely benign for OTOGL-related condition. Last evaluated: 2025-06-23. Review status: criteria provided, single submitter. Criteria: ACMG Guidelines, 2015. Collection method: clinical testing. Allele origin: germline.
Comment: This variant is classified as likely benign based on ACMG/AMP sequence variant interpretation guidelines (Richards et al. 2015 PMID: 25741868, with internal and published modifications).

Blueprint Genetics
Classification: Uncertain significance. Last evaluated: 2024-10-04. Review status: criteria provided, single submitter. Criteria: ACMG Guidelines, 2015. Collection method: clinical testing. Allele origin: germline.

Daryl Scott Lab, Baylor College of Medicine
Classification: Uncertain significance for Autosomal recessive nonsyndromic hearing loss 84B. Last evaluated: 2024-01-01. Review status: criteria provided, single submitter. Criteria: ACMG Guidelines, 2015. Collection method: clinical testing. Allele origin: biparental. Observed: 1 homozygote.
Comment: BP4

GeneDx
Classification: Uncertain significance. Last evaluated: 2021-07-13. Review status: criteria provided, single submitter. Criteria: GeneDx Variant Classification Process June 2021. Collection method: clinical testing. Allele origin: germline. Affected: yes.
Comment: In silico analysis supports that this missense variant does not alter protein structure/function; Has not been previously published as pathogenic or benign to our knowledge; This variant is associated with the following publications: (PMID: 27535533)

NM_001378609.3(OTOGL):c.100A>G (p.Ile34Val)

Gene: OTOGL (otogelin like; plus strand). Cytogenetic location: 12q21.31.
Variant type: single nucleotide variant.
Coding change: c.100A>G on transcript NM_001378609.3 (MANE Select); coding-DNA position 100, A replaced by G.
Protein change: p.Ile34Val; replaces isoleucine 34 with valine.
Molecular consequence: missense variant.
Genome position (GRCh38, 1-based): chr12:80,210,867, A>G. VCF-style: chr12-80210867-A-G. GRCh37 (hg19) VCF-style: chr12-80604647-A-G.
Other names: c.73A>G (NM_173591.5); c.100A>G, p.Ile34Val (NM_001368062.3, NM_001378610.3, NM_173591.7); short protein forms I34V.
Identifiers: ClinVar variation 1200353 (VCV001200353.11), dbSNP rs117411391, ClinGen allele CA6700048.
Genomic context (GRCh38, chr12:80,210,867, plus strand): 5'-GGATAATTTTTTTTCATTCTTATATATTTGTCTCTGGCAGAATATATTTGTGCATCGTCT[A>G]TATTGATGGGAACATCAAAGTGAGTATTTCTTGTTCTTCGTGTCCTCTAAAACATAAAGT-3'
Protein context (NP_001365538.2, residues 24-44): SLQEYICASS[Ile34Val]LMGTSKNGFN